The following is an entry in ClinVar:

ClinVar aggregate classification (germline): Pathogenic (1 of 4 stars; one submission).

gnomAD v4.1: 1 of 1,614,082 alleles (0.000062%); highest among the groups gnomAD compares: Non-Finnish European, 0.000085%; no homozygotes.

Submission:

Labcorp Genetics (formerly Invitae), Labcorp
Classification: Pathogenic. Last evaluated: 2022-12-18. Review status: criteria provided, single submitter. Criteria: Invitae Variant Classification Sherloc (09022015). Collection method: clinical testing. Allele origin: germline.
Comment: For these reasons, this variant has been classified as Pathogenic. Algorithms developed to predict the effect of sequence changes on RNA splicing suggest that this variant may disrupt the consensus splice site. This variant has not been reported in the literature in individuals affected with POP1-related conditions. This variant is not present in population databases (gnomAD no frequency). This sequence change creates a premature translational stop signal (p.Glu723*) in the POP1 gene. It is expected to result in an absent or disrupted protein product. Loss-of-function variants in POP1 are known to be pathogenic (PMID: 21455487).

Literature cited by the submitters: PubMed 21455487.

NM_001145860.2(POP1):c.2167G>T (p.Glu723Ter)

Gene: POP1 (POP1 ribonuclease P/MRP subunit; plus strand). Cytogenetic location: 8q22.2.
Variant type: single nucleotide variant.
Coding change: c.2167G>T on transcript NM_001145860.2 (MANE Select); coding-DNA position 2167, G replaced by T.
Protein change: p.Glu723Ter; replaces glutamic acid 723 with a stop codon.
Molecular consequence: nonsense.
Genome position (GRCh38, 1-based): chr8:98,156,159, G>T. VCF-style: chr8-98156159-G-T. GRCh37 (hg19) VCF-style: chr8-99168387-G-T.
Other names: c.2167G>T, p.Glu723Ter (NM_001145861.2, NM_015029.3); short protein forms E723*.
Identifiers: ClinVar variation 2969675 (VCV002969675.3), dbSNP rs980507386, ClinGen allele CA371773937.